The following is an entry in ClinVar:

NM_017780.4(CHD7):c.2114C>G (p.Ser705Ter)

Gene: CHD7 (chromodomain helicase DNA binding protein 7; plus strand). Cytogenetic location: 8q12.2.
Variant type: single nucleotide variant.
Coding change: c.2114C>G on transcript NM_017780.4 (MANE Select); coding-DNA position 2114, C replaced by G.
Protein change: p.Ser705Ter; replaces serine 705 with a stop codon.
Molecular consequence: nonsense. On other transcripts: intron variant (1).
Genome position (GRCh38, 1-based): chr8:60,795,003, C>G. VCF-style: chr8-60795003-C-G. GRCh37 (hg19) VCF-style: chr8-61707562-C-G.
Other names: c.1716+13953C>G (NM_001316690.1); c.2114C>G (LRG_176t1); short protein forms S705*.
Identifiers: ClinVar variation 489047 (VCV000489047.3), dbSNP rs1554591598, ClinGen allele CA371295652.

ClinVar aggregate classification (germline): Pathogenic (1 of 4 stars; one submission).

Submission:

GeneDx
Classification: Pathogenic. Last evaluated: 2020-10-28. Review status: criteria provided, single submitter. Criteria: GeneDx Variant Classification Process June 2021. Collection method: clinical testing. Allele origin: germline. Affected: yes.
Comment: Nonsense variant predicted to result in protein truncation or nonsense mediated decay in a gene for which loss-of-function is a known mechanism of disease; Not observed in large population cohorts (Lek et al., 2016); Has not been previously published as pathogenic or benign to our knowledge